The following is an entry in ClinVar:

NM_000166.6(GJB1):c.562dup (p.Thr188fs)

Gene: GJB1 (gap junction protein beta 1; plus strand). Cytogenetic location: Xq13.1.
Variant type: Duplication.
Coding change: c.562dup on transcript NM_000166.6 (MANE Select); coding-DNA position 562, one base duplicated (A; older notation c.562dupA).
Protein change: p.Thr188fs; shifts the reading frame from threonine 188.
Molecular consequence: frameshift variant.
Genome position (GRCh38, 1-based): chrX:71,224,269, A duplicated; the last of 4 consecutive A bases (chrX:71,224,266-71,224,269); duplicating any one gives the same sequence. VCF-style (leftmost placement, unchanged base first): chrX-71224265-G-GA. GRCh37 (hg19) VCF-style: chrX-70444115-G-GA.
Other names: c.562dup, p.Thr188fs (NM_001097642.3); short protein forms T188fs.
Identifiers: ClinVar variation 2124028 (VCV002124028.4), dbSNP rs2519798825, ClinGen allele CA2580101383.

ClinVar aggregate classification (germline): Pathogenic (1 of 4 stars; one submission).

Conditions:
Charcot-Marie-Tooth Neuropathy X. Identifiers: MedGen CN118851.

Submission:

Labcorp Genetics (formerly Invitae), Labcorp
Classification: Pathogenic for Charcot-Marie-Tooth Neuropathy X. Last evaluated: 2023-06-29. Review status: criteria provided, single submitter. Criteria: Invitae Variant Classification Sherloc (09022015). Collection method: clinical testing. Allele origin: germline.
Comment: This variant has not been reported in the literature in individuals affected with GJB1-related conditions. ClinVar contains an entry for this variant (Variation ID: 2124028). This variant disrupts a region of the GJB1 protein in which other variant(s) (p.Met194Val) have been determined to be pathogenic (PMID: 9272161, 25802885). This suggests that this is a clinically significant region of the protein, and that variants that disrupt it are likely to be disease-causing. For these reasons, this variant has been classified as Pathogenic. This variant is not present in population databases (gnomAD no frequency). This sequence change creates a premature translational stop signal (p.Thr188Asnfs*55) in the GJB1 gene. While this is not anticipated to result in nonsense mediated decay, it is expected to disrupt the last 96 amino acid(s) of the GJB1 protein.

Literature cited by the submitters: PubMed 9272161; PubMed 25802885.